The following is an entry in ClinVar:

ClinVar aggregate classification (germline): Uncertain significance (1 of 4 stars; one submission).

Conditions:
Cardiovascular phenotype. Identifiers: MedGen CN230736.

Submission:

Ambry Genetics
Classification: Uncertain significance for Cardiovascular phenotype. Last evaluated: 2021-11-02. Review status: criteria provided, single submitter. Criteria: Ambry Variant Classification Scheme 2023. Collection method: clinical testing. Allele origin: germline.
Comment: The p.N652K variant (also known as c.1956C>A), located in coding exon 12 of the PCSK9 gene, results from a C to A substitution at nucleotide position 1956. The asparagine at codon 652 is replaced by lysine, an amino acid with similar properties. This amino acid position is conserved. In addition, this alteration is predicted to be tolerated by in silico analysis. Since supporting evidence is limited at this time, the clinical significance of this alteration remains unclear.

NM_174936.4(PCSK9):c.1956C>A (p.Asn652Lys)

Gene: PCSK9 (proprotein convertase subtilisin/kexin type 9; plus strand). Cytogenetic location: 1p32.3.
Variant type: single nucleotide variant.
Coding change: c.1956C>A on transcript NM_174936.4 (MANE Select); coding-DNA position 1956, C replaced by A.
Protein change: p.Asn652Lys; replaces asparagine 652 with lysine.
Molecular consequence: missense variant.
Genome position (GRCh38, 1-based): chr1:55,063,461, C>A. VCF-style: chr1-55063461-C-A. GRCh37 (hg19) VCF-style: chr1-55529134-C-A.
Other names: c.2079C>A, p.Asn693Lys (NM_001407240.1); c.1998C>A, p.Asn666Lys (NM_001407241.1); c.1959C>A, p.Asn653Lys (NM_001407242.1); c.1899C>A, p.Asn633Lys (NM_001407243.1); c.1782C>A, p.Asn594Lys (NM_001407244.1); c.1764C>A, p.Asn588Lys (NM_001407245.1); c.1581C>A, p.Asn527Lys (NM_001407246.1); c.1455C>A, p.Asn485Lys (NM_001407247.1); short protein forms N527K, N653K, N666K, N588K, N633K, N693K, N485K, N594K.
Identifiers: ClinVar variation 1783307 (VCV001783307.2), dbSNP rs2523286555, ClinGen allele CA340480726.